The following is an entry in ClinVar:

ClinVar aggregate classification (germline): Uncertain significance (1 of 4 stars; one submission).

Conditions:
Hereditary cancer-predisposing syndrome. Also called: Neoplastic Syndromes, Hereditary; Tumor predisposition; Hereditary neoplastic syndrome; Hereditary Cancer Syndrome. Identifiers: Orphanet 140162, MedGen C0027672, MeSH D009386, MONDO:0015356.

gnomAD v4.1: 1 of 1,612,796 alleles (0.000062%); highest among the groups gnomAD compares: South Asian, 0.0011%; no homozygotes.

Submission:

Ambry Genetics
Classification: Uncertain significance for Hereditary cancer-predisposing syndrome. Last evaluated: 2024-03-20. Review status: criteria provided, single submitter. Criteria: Ambry Variant Classification Scheme 2023. Collection method: clinical testing. Allele origin: germline.
Comment: The p.S318T variant (also known as c.953G>C), located in coding exon 2 of the AXIN2 gene, results from a G to C substitution at nucleotide position 953. The serine at codon 318 is replaced by threonine, an amino acid with similar properties. This amino acid position is conserved. In addition, the in silico prediction for this alteration is inconclusive. Based on the available evidence, the clinical significance of this alteration remains unclear.

NM_004655.4(AXIN2):c.953G>C (p.Ser318Thr)

Gene: AXIN2 (axin 2; minus strand). Cytogenetic location: 17q24.1.
Variant type: single nucleotide variant.
Coding change: c.953G>C on transcript NM_004655.4 (MANE Select); coding-DNA position 953, G replaced by C.
Protein change: p.Ser318Thr; replaces serine 318 with threonine.
Molecular consequence: missense variant.
Genome position (GRCh38, 1-based): chr17:65,549,523, C>G on the plus strand (G>C on the coding strand, the complement: AXIN2 is on the minus strand). VCF-style: chr17-65549523-C-G. GRCh37 (hg19) VCF-style: chr17-63545641-C-G.
Other names: c.953G>C, p.Ser318Thr (NM_001363813.1); short protein forms S318T.
Identifiers: ClinVar variation 3335425 (VCV003335425.1).
Genomic context (GRCh38, chr17:65,549,523, plus strand): 5'-TGCTCAGGTGGCATCCACTCCCAAGCAAGCCCACGGAAGGGTGGCCAGGATACTCACACA[C>G]TGCTGTCCGTCATGGACATGGAATCATCCGTCAGCGCATCACTGGATATCTCACTGTCGT-3'
Protein context (NP_004646.3, residues 308-328): TDDSMSMTDS[Ser318Thr]VDGIPPYRVG